The following is an entry in ClinVar:

ClinVar aggregate classification (germline): Likely benign. Review status: criteria provided, multiple submitters, no conflicts (2 of 4 stars). 3 submissions from 3 submitters: Likely benign (2). 1 of the submissions does not count toward it. Last evaluated 2024-09-23.

Conditions:
COQ6-related disorder. Also called: COQ6-related condition.

Allele frequency attached by ClinVar (database versions not stated): 1000 Genomes Project 0.00180; 1000 Genomes Project 30x 0.00156.

Submissions (3):

Blueprint Genetics
Classification: Likely benign. Last evaluated: 2024-09-23. Review status: criteria provided, single submitter. Criteria: ACMG Guidelines, 2015. Collection method: clinical testing. Allele origin: germline.

GeneDx
Classification: Likely benign. Last evaluated: 2019-12-07. Review status: criteria provided, single submitter. Criteria: GeneDx Variant Classification Process June 2021. Collection method: clinical testing. Allele origin: germline. Affected: yes.

PreventionGenetics, part of Exact Sciences
Classification: Likely benign for COQ6-related condition. Last evaluated: 2019-03-11. Review status: no assertion criteria provided. Collection method: clinical testing. Allele origin: germline. Not counted in ClinVar's aggregate classification.
Comment: This variant is classified as likely benign based on ACMG/AMP sequence variant interpretation guidelines (Richards et al. 2015 PMID: 25741868, with internal and published modifications).

NM_182480.3(COQ6):c.69A>G (p.Pro23=)

Gene: COQ6 (coenzyme Q6, monooxygenase; plus strand). Cytogenetic location: 14q24.3.
Variant type: single nucleotide variant.
Coding change: c.69A>G on transcript NM_182480.3; coding-DNA position 69, A replaced by G.
Protein change: p.Pro23=; no amino-acid change (proline 23 retained).
Molecular consequence: synonymous variant. On other transcripts: 5 prime UTR variant (2).
Genome position (GRCh38, 1-based): chr14:73,950,161, A>G. VCF-style: chr14-73950161-A-G. GRCh37 (hg19) VCF-style: chr14-74416864-A-G.
Other names: c.69A>G, p.Pro23= (NM_001425258.1); c.-23A>G (NM_001425259.1, NM_001425261.1).
Identifiers: ClinVar variation 1187588 (VCV001187588.7), dbSNP rs186482754, ClinGen allele CA7263998.